The following is an entry in ClinVar:

NM_012079.6(DGAT1):c.637G>A (p.Asp213Asn)

Gene: DGAT1 (diacylglycerol O-acyltransferase 1; minus strand). Cytogenetic location: 8q24.3.
Variant type: single nucleotide variant.
Coding change: c.637G>A on transcript NM_012079.6 (MANE Select); coding-DNA position 637, G replaced by A.
Protein change: p.Asp213Asn; replaces aspartic acid 213 with asparagine.
Molecular consequence: missense variant.
Genome position (GRCh38, 1-based): chr8:144,318,300, C>T on the plus strand (G>A on the coding strand, the complement: DGAT1 is on the minus strand). VCF-style: chr8-144318300-C-T. GRCh37 (hg19) VCF-style: chr8-145541963-C-T.
Other names: short protein forms D213N.
Identifiers: ClinVar variation 4766255 (VCV004766255.1).

ClinVar aggregate classification (germline): Uncertain significance (1 of 4 stars; one submission).

gnomAD v4.1: 11 of 1,612,724 alleles (0.00068%); highest among the groups gnomAD compares: South Asian, 0.0044%; no homozygotes.

Submission:

Labcorp Genetics (formerly Invitae), Labcorp
Classification: Uncertain significance. Last evaluated: 2025-10-10. Review status: criteria provided, single submitter. Criteria: Invitae Variant Classification Sherloc (09022015). Collection method: clinical testing. Allele origin: germline.
Comment: This sequence change replaces aspartic acid, which is acidic and polar, with asparagine, which is neutral and polar, at codon 213 of the DGAT1 protein (p.Asp213Asn). This variant is present in population databases (rs782137876, gnomAD 0.01%). This variant has not been reported in the literature in individuals affected with DGAT1-related conditions. Invitae Evidence Modeling of protein sequence and biophysical properties (such as structural, functional, and spatial information, amino acid conservation, physicochemical variation, residue mobility, and thermodynamic stability) indicates that this missense variant is not expected to disrupt DGAT1 protein function with a negative predictive value of 80%. In summary, the available evidence is currently insufficient to determine the role of this variant in disease. Therefore, it has been classified as a Variant of Uncertain Significance.